The following is an entry in ClinVar:

ClinVar aggregate classification (germline): Benign/Likely benign. Review status: criteria provided, multiple submitters, no conflicts (2 of 4 stars). 3 submissions from 3 submitters: Benign (1); Likely benign (2). Last evaluated 2025-11-30.

Conditions:
MARS1-related disorder. Also called: MARS1-related condition.
Charcot-Marie-Tooth disease. Also called: Charcot-Marie-Tooth Neuropathy; Charcot-Marie-Tooth Hereditary Neuropathy. Identifiers: Orphanet 166, MedGen C0007959, MONDO:0015626.
Severe early-onset pulmonary alveolar proteinosis due to MARS deficiency. Also called: PULMONARY ALVEOLAR PROTEINOSIS, REUNION ISLAND; Interstitial lung and liver disease. Identifiers: Orphanet 440427, MedGen C4225400, MONDO:0014206, OMIM 615486.
Charcot-Marie-Tooth disease axonal type 2U. Also called: CHARCOT-MARIE-TOOTH NEUROPATHY, TYPE 2U; CHARCOT-MARIE-TOOTH DISEASE, AXONAL, AUTOSOMAL DOMINANT, TYPE 2U. Identifiers: Orphanet 397735, MedGen C4084821, MONDO:0014566, OMIM 616280.

Allele frequency attached by ClinVar (database versions not stated): gnomAD below 0.00001 and 0.00004; TOPMed below 0.00001; gnomAD exomes 0.00010 and 0.00029; 1000 Genomes Project 0.00020; ExAC 0.00027; 1000 Genomes Project 30x 0.00031.
gnomAD v4.1: 156 of 1,614,180 alleles (0.0097%); highest among the groups gnomAD compares: South Asian, 0.15%; 2 homozygotes.

Submissions (3):

PreventionGenetics, part of Exact Sciences
Classification: Likely benign for MARS1-related condition. Last evaluated: 2025-11-30. Review status: criteria provided, single submitter. Criteria: ACMG Guidelines, 2015. Collection method: clinical testing. Allele origin: germline.
Comment: This variant is classified as likely benign based on ACMG/AMP sequence variant interpretation guidelines (Richards et al. 2015 PMID: 25741868, with internal and published modifications).

Labcorp Genetics (formerly Invitae), Labcorp
Classification: Benign for Charcot-Marie-Tooth disease axonal type 2U; Severe early-onset pulmonary alveolar proteinosis due to MARS deficiency. Last evaluated: 2025-02-24. Review status: criteria provided, single submitter. Criteria: Invitae Variant Classification Sherloc (09022015). Collection method: clinical testing. Allele origin: germline.

Molecular Genetics Laboratory, London Health Sciences Centre
Classification: Likely benign for Charcot-Marie-Tooth disease. Review status: criteria provided, single submitter. Criteria: ACMG Guidelines, 2015. Collection method: clinical testing. Allele origin: germline. Affected: yes.

NM_004990.4(MARS1):c.2112C>T (p.Ala704=)

Gene: MARS1 (methionyl-tRNA synthetase 1; plus strand). Cytogenetic location: 12q13.3.
Variant type: single nucleotide variant.
Coding change: c.2112C>T on transcript NM_004990.4 (MANE Select); coding-DNA position 2112, C replaced by T.
Protein change: p.Ala704=; no amino-acid change (alanine 704 retained).
Molecular consequence: synonymous variant.
Genome position (GRCh38, 1-based): chr12:57,514,966, C>T. VCF-style: chr12-57514966-C-T. GRCh37 (hg19) VCF-style: chr12-57908749-C-T.
Identifiers: ClinVar variation 917137 (VCV000917137.10), dbSNP rs530730589, ClinGen allele CA6650713.